The following is an entry in ClinVar:

ClinVar aggregate classification (germline): Uncertain significance (1 of 4 stars; one submission).

Submission:

Labcorp Genetics (formerly Invitae), Labcorp
Classification: Uncertain significance. Last evaluated: 2024-06-23. Review status: criteria provided, single submitter. Criteria: Invitae Variant Classification Sherloc (09022015). Collection method: clinical testing. Allele origin: germline.
Comment: This sequence change replaces arginine, which is basic and polar, with threonine, which is neutral and polar, at codon 67 of the TUBGCP6 protein (p.Arg67Thr). This variant is not present in population databases (gnomAD no frequency). This variant has not been reported in the literature in individuals affected with TUBGCP6-related conditions. An algorithm developed to predict the effect of missense changes on protein structure and function (PolyPhen-2) suggests that this variant is likely to be tolerated. In summary, the available evidence is currently insufficient to determine the role of this variant in disease. Therefore, it has been classified as a Variant of Uncertain Significance.

NM_020461.4(TUBGCP6):c.200G>C (p.Arg67Thr)

Gene: TUBGCP6 (tubulin gamma complex component 6; minus strand). Cytogenetic location: 22q13.33.
Variant type: single nucleotide variant.
Coding change: c.200G>C on transcript NM_020461.4 (MANE Select); coding-DNA position 200, G replaced by C.
Protein change: p.Arg67Thr; replaces arginine 67 with threonine.
Molecular consequence: missense variant.
Genome position (GRCh38, 1-based): chr22:50,244,260, C>G on the plus strand (G>C on the coding strand, the complement: TUBGCP6 is on the minus strand). VCF-style: chr22-50244260-C-G. GRCh37 (hg19) VCF-style: chr22-50682689-C-G.
Other names: short protein forms R67T.
Identifiers: ClinVar variation 3657582 (VCV003657582.2).